The following is an entry in ClinVar:

ClinVar aggregate classification (germline): Uncertain significance. Review status: criteria provided, multiple submitters, no conflicts (2 of 4 stars). 4 submissions from 4 submitters: Uncertain significance (4). Last evaluated 2025-01-22.

Conditions:
VWF-related disorder. Also called: VWF-related condition; VWF-related disorders.
Inborn genetic diseases. Identifiers: MedGen C0950123, MeSH D030342.

Allele frequency attached by ClinVar (database versions not stated): ExAC 0.00001; TOPMed 0.00002; gnomAD 0.00003; gnomAD exomes 0.00003.
gnomAD v4.1: 40 of 1,614,098 alleles (0.0025%); highest among the groups gnomAD compares: Non-Finnish European, 0.0033%; no homozygotes.

Submissions (4):

Women's Health and Genetics/Laboratory Corporation of America, LabCorp
Classification: Uncertain significance. Last evaluated: 2025-01-22. Review status: criteria provided, single submitter. Criteria: LabCorp Variant Classification Summary - May 2015. Collection method: clinical testing. Allele origin: germline.
Comment: Variant summary: VWF c.5164A>G (p.Asn1722Asp) results in a conservative amino acid change in the encoded protein sequence. Four of five in-silico tools predict a benign effect of the variant on protein function. The variant allele was found at a frequency of 1.6e-05 in 251478 control chromosomes. The available data on variant occurrences in the general population are insufficient to allow any conclusion about variant significance. To our knowledge, no occurrence of c.5164A>G in individuals affected with Von Willebrand Disease and no experimental evidence demonstrating its impact on protein function have been reported. ClinVar contains an entry for this variant (Variation ID: 2632014). Based on the evidence outlined above, the variant was classified as uncertain significance.

Ambry Genetics
Classification: Uncertain significance for Inborn genetic diseases. Last evaluated: 2024-11-15. Review status: criteria provided, single submitter. Criteria: Ambry Variant Classification Scheme 2023. Collection method: clinical testing. Allele origin: germline.

GeneDx
Classification: Uncertain significance. Last evaluated: 2024-09-23. Review status: criteria provided, single submitter. Criteria: GeneDx Variant Classification Process June 2021. Collection method: clinical testing. Allele origin: germline. Affected: yes.
Comment: Not observed at significant frequency in large population cohorts (gnomAD); In silico analysis indicates that this missense variant does not alter protein structure/function; Has not been previously published as pathogenic or benign to our knowledge

PreventionGenetics, part of Exact Sciences
Classification: Uncertain significance for VWF-related condition. Last evaluated: 2022-12-22. Review status: criteria provided, single submitter. Criteria: ACMG Guidelines, 2015. Collection method: clinical testing. Allele origin: germline.
Comment: The VWF c.5164A>G variant is predicted to result in the amino acid substitution p.Asn1722Asp. To our knowledge, this variant has not been reported in the literature. This variant is reported in 0.0040% of alleles in individuals of African descent in gnomAD. At this time, the clinical significance of this variant is uncertain due to the absence of conclusive functional and genetic evidence.

NM_000552.5(VWF):c.5164A>G (p.Asn1722Asp)

Gene: VWF (von Willebrand factor; minus strand). Cytogenetic location: 12p13.31.
Variant type: single nucleotide variant.
Coding change: c.5164A>G on transcript NM_000552.5 (MANE Select); coding-DNA position 5164, A replaced by G.
Protein change: p.Asn1722Asp; replaces asparagine 1722 with aspartic acid.
Molecular consequence: missense variant.
Genome position (GRCh38, 1-based): chr12:6,016,760, T>C on the plus strand (A>G on the coding strand, the complement: VWF is on the minus strand). VCF-style: chr12-6016760-T-C. GRCh37 (hg19) VCF-style: chr12-6125926-T-C.
Other names: c.5164A>G (NM_000552.3); short protein forms N1722D.
Identifiers: ClinVar variation 2632014 (VCV002632014.5), dbSNP rs757670823, ClinGen allele CA6402380.